The following is an entry in ClinVar:

ClinVar aggregate classification (germline): Pathogenic (1 of 4 stars; one submission).

Conditions:
Intellectual developmental disorder, autosomal dominant 29. Also called: Intellectual disability, autosomal dominant 29; SETBP1 Haploinsufficiency Disorder. Identifiers: Orphanet 436151, MedGen C4015141, MONDO:0014482, OMIM 616078.

Submission:

Centre for Human Genetics, University of Kinshasa
Classification: Pathogenic for Intellectual developmental disorder, autosomal dominant 29. Review status: criteria provided, single submitter. Criteria: ACMG Guidelines, 2015. Collection method: research. Allele origin: unknown. Inheritance: Autosomal dominant inheritance. Affected: yes.
Comment: This variants is in SETBP1 and associated with SETBP1-Haploinsufficiency Disorder. The father was not available for testing. This single base deletion is predicted to cause frameshift and create a premature stop codon in a gene in which LoF is a known mechanism of pathogenicity for the condition (SETBP1-Haploinsufficiency Disorder). The variant is absent from both gnomAD and ClinVar. We classified this variant as Pathogenic following the ACMG classification guidelines based on PM2, PVS1 criteria. The posterior probability score of pathogenicity of 0.994.

Literature cited by the submitters: PubMed 29300386.

NM_015559.3(SETBP1):c.2435del (p.Ser812fs)

Gene: SETBP1 (SET binding protein 1; plus strand). Cytogenetic location: 18q12.3.
Variant type: Deletion.
Coding change: c.2435del on transcript NM_015559.3 (MANE Select); coding-DNA position 2435, one base deleted (G; older notation c.2435delG).
Protein change: p.Ser812fs; shifts the reading frame from serine 812.
Molecular consequence: frameshift variant.
Genome position (GRCh38, 1-based): chr18:44,951,775, G deleted. VCF-style (leftmost placement, unchanged base first): chr18-44951774-AG-A. GRCh37 (hg19) VCF-style: chr18-42531739-AG-A.
Other names: c.2435del, p.Ser812fs (NM_001379141.1, NM_001379142.1, NM_001410862.1); c.2435delG (NM_015559.3); short protein forms S812fs.
Identifiers: ClinVar variation 4077415 (VCV004077415.1).
Genomic context (GRCh38, chr18:44,951,774, plus strand): 5'-CCTGCCAGCACTGAAACCAATTTTTCAGAGTTGAAAACTATGCCAAATCTCCAGCCCATC[AG>A]TGCTCTTCCAACCAAAACCCAAAAGGGAATACACAGTGGAACCTGGAAGCTGTCTCCACC-3'